The following is an entry in ClinVar:

ClinVar aggregate classification (germline): Uncertain significance (1 of 4 stars; one submission).

Conditions:
Congenital dyserythropoietic anemia, type II (CDAN2). Also called: DYSERYTHROPOIETIC ANEMIA, HEMPAS TYPE. Identifiers: Orphanet 98873, MedGen C1306589, MONDO:0009134, OMIM 224100.
Cowden syndrome 7 (CWS7). Identifiers: Orphanet 201, MedGen C4225179, MONDO:0014802, OMIM 616858.

Allele frequency attached by ClinVar (database versions not stated): gnomAD exomes below 0.00001.
gnomAD v4.1: 1 of 1,613,920 alleles (0.000062%); highest among the groups gnomAD compares: Non-Finnish European, 0.000085%; no homozygotes.

Submission:

Labcorp Genetics (formerly Invitae), Labcorp
Classification: Uncertain significance for Congenital dyserythropoietic anemia, type II; Cowden syndrome 7. Last evaluated: 2023-10-24. Review status: criteria provided, single submitter. Criteria: Invitae Variant Classification Sherloc (09022015). Collection method: clinical testing. Allele origin: germline.
Comment: This sequence change replaces cysteine, which is neutral and slightly polar, with arginine, which is basic and polar, at codon 352 of the SEC23B protein (p.Cys352Arg). This variant is not present in population databases (gnomAD no frequency). This variant has not been reported in the literature in individuals affected with SEC23B-related conditions. Advanced modeling of protein sequence and biophysical properties (such as structural, functional, and spatial information, amino acid conservation, physicochemical variation, residue mobility, and thermodynamic stability) has been performed at Invitae for this missense variant, however the output from this modeling did not meet the statistical confidence thresholds required to predict the impact of this variant on SEC23B protein function. In summary, the available evidence is currently insufficient to determine the role of this variant in disease. Therefore, it has been classified as a Variant of Uncertain Significance.

NM_006363.6(SEC23B):c.1054T>C (p.Cys352Arg)

Gene: SEC23B (SEC23 homolog B, COPII component; plus strand). Cytogenetic location: 20p11.23.
Variant type: single nucleotide variant.
Coding change: c.1054T>C on transcript NM_006363.6 (MANE Select); coding-DNA position 1054, T replaced by C.
Protein change: p.Cys352Arg; replaces cysteine 352 with arginine.
Molecular consequence: missense variant.
Genome position (GRCh38, 1-based): chr20:18,527,556, T>C. VCF-style: chr20-18527556-T-C. GRCh37 (hg19) VCF-style: chr20-18508200-T-C.
Other names: c.1054T>C, p.Cys352Arg (NM_001172745.3, NM_032985.6, NM_032986.5); c.1000T>C, p.Cys334Arg (NM_001172746.3); short protein forms C352R, C334R.
Identifiers: ClinVar variation 2950381 (VCV002950381.3), dbSNP rs2060144964, ClinGen allele CA408360504.
Genomic context (GRCh38, chr20:18,527,556, plus strand): 5'-CACTATGAGATGCTTGCTAATCGAACAGCTGCAAATGGTCACTGCATTGATATTTATGCT[T>C]GTGCCCTTGATCAAACTGGACTTTTGGAGATGAAGTGTTGTGCAAATCTTACTGGGTATG-3'
Protein context (NP_006354.2, residues 342-362): ANGHCIDIYA[Cys352Arg]ALDQTGLLEM